The following is an entry in ClinVar:

ClinVar aggregate classification (germline): Conflicting classifications of pathogenicity. Review status: criteria provided, conflicting classifications (1 of 4 stars). 4 submissions from 4 submitters: Uncertain significance (2); Likely benign (1). 1 of the submissions does not count toward it. Last evaluated 2024-10-07.

Conditions:
SLC25A1-related disorder. Also called: SLC25A1-related condition.
Inborn genetic diseases. Identifiers: MedGen C0950123, MeSH D030342.

Allele frequency attached by ClinVar (database versions not stated): TOPMed 0.00016; gnomAD 0.00017 and 0.00019; gnomAD exomes 0.00026.

Submissions (4):

Labcorp Genetics (formerly Invitae), Labcorp
Classification: Uncertain significance. Last evaluated: 2024-10-07. Review status: criteria provided, single submitter. Criteria: Invitae Variant Classification Sherloc (09022015). Collection method: clinical testing. Allele origin: germline.
Comment: This sequence change falls in intron 1 of the SLC25A1 gene. It does not directly change the encoded amino acid sequence of the SLC25A1 protein. It affects a nucleotide within the consensus splice site. This variant is present in population databases (no rsID available, gnomAD 0.1%). This variant has not been reported in the literature in individuals affected with SLC25A1-related conditions. ClinVar contains an entry for this variant (Variation ID: 1480841). Variants that disrupt the consensus splice site are a relatively common cause of aberrant splicing (PMID: 17576681, 9536098). Algorithms developed to predict the effect of sequence changes on RNA splicing suggest that this variant is not likely to affect RNA splicing. In summary, the available evidence is currently insufficient to determine the role of this variant in disease. Therefore, it has been classified as a Variant of Uncertain Significance.

Blueprint Genetics
Classification: Likely benign. Last evaluated: 2024-09-25. Review status: criteria provided, single submitter. Criteria: ACMG Guidelines, 2015. Collection method: clinical testing. Allele origin: germline.

Ambry Genetics
Classification: Uncertain significance for Inborn genetic diseases. Last evaluated: 2021-09-07. Review status: criteria provided, single submitter. Criteria: Ambry Variant Classification Scheme 2023. Collection method: clinical testing. Allele origin: germline.
Comment: The c.94+6C>T intronic alteration consists of a C to T substitution 6 nucleotides after exon 1 of the SLC25A1 gene. Based on insufficient or conflicting evidence, the clinical significance of this alteration remains unclear.

PreventionGenetics, part of Exact Sciences
Classification: Likely benign for SLC25A1-related condition. Last evaluated: 2019-06-19. Review status: no assertion criteria provided. Collection method: clinical testing. Allele origin: germline. Not counted in ClinVar's aggregate classification.
Comment: This variant is classified as likely benign based on ACMG/AMP sequence variant interpretation guidelines (Richards et al. 2015 PMID: 25741868, with internal and published modifications).

Literature cited by the submitters: PubMed 17576681 (cited by Labcorp Genetics (formerly Invitae), Labcorp); PubMed 9536098 (cited by Labcorp Genetics (formerly Invitae), Labcorp).

NM_005984.5(SLC25A1):c.94+6C>T

Gene: SLC25A1 (solute carrier family 25 member 1; minus strand). Cytogenetic location: 22q11.21.
Variant type: single nucleotide variant.
Coding change: c.94+6C>T on transcript NM_005984.5 (MANE Select); 6 bases into the intron after coding-DNA position 94, C replaced by T.
Molecular consequence: intron variant.
Genome position (GRCh38, 1-based): chr22:19,178,574, G>A on the plus strand (C>T on the coding strand, the complement: SLC25A1 is on the minus strand). VCF-style: chr22-19178574-G-A. GRCh37 (hg19) VCF-style: chr22-19166087-G-A.
Other names: c.94+6C>T (NM_005984.4, NM_005984.2).
Identifiers: ClinVar variation 1480841 (VCV001480841.9), dbSNP rs1297863542, ClinGen allele CA638334231.